The following is an entry in ClinVar:

NM_000168.6(GLI3):c.1320T>C (p.Asp440=)

Gene: GLI3 (GLI family zinc finger 3; minus strand). Cytogenetic location: 7p14.1.
Variant type: single nucleotide variant.
Coding change: c.1320T>C on transcript NM_000168.6 (MANE Select); coding-DNA position 1320, T replaced by C.
Protein change: p.Asp440=; no amino-acid change (aspartic acid 440 retained).
Molecular consequence: synonymous variant.
Genome position (GRCh38, 1-based): chr7:42,025,300, A>G on the plus strand (T>C on the coding strand, the complement: GLI3 is on the minus strand). VCF-style: chr7-42025300-A-G. GRCh37 (hg19) VCF-style: chr7-42064899-A-G.
Other names: c.1320T>C (NM_000168.5).
Identifiers: ClinVar variation 1586294 (VCV001586294.9), dbSNP rs750416636, ClinGen allele CA4230891.

ClinVar aggregate classification (germline): Likely benign. Review status: criteria provided, multiple submitters, no conflicts (2 of 4 stars). 2 submissions from 2 submitters: Likely benign (2). Last evaluated 2025-10-09.

Conditions:
GLI3-related disorder. Also called: GLI3-related condition; GLI3-related disorders. Identifiers: MedGen CN239292.
Greig cephalopolysyndactyly syndrome (GCPS). Also called: Greig syndrome; POLYSYNDACTYLY WITH PECULIAR SKULL SHAPE; GLI3-Related Greig Cephalopolysyndactyly Syndrome. Identifiers: Orphanet 380, MedGen C0265306, MONDO:0008287, OMIM 175700.
Pallister-Hall syndrome (PHS). Also called: GLI3-Related Pallister-Hall Syndrome; HYPOTHALAMIC HAMARTOBLASTOMA, HYPOPITUITARISM, IMPERFORATE ANUS, AND POSTAXIAL POLYDACTYLY. Identifiers: Orphanet 672, MedGen C0265220, MONDO:0007804, OMIM 146510.

Allele frequency attached by ClinVar (database versions not stated): TOPMed below 0.00001; ExAC 0.00001; gnomAD exomes 0.00003 and 0.00004.
gnomAD v4.1: 52 of 1,614,010 alleles (0.0032%); highest among the groups gnomAD compares: Middle Eastern, 0.016%; no homozygotes.

Submissions (2):

PreventionGenetics, part of Exact Sciences
Classification: Likely benign for GLI3-related condition. Last evaluated: 2025-10-09. Review status: criteria provided, single submitter. Criteria: ACMG Guidelines, 2015. Collection method: clinical testing. Allele origin: germline.
Comment: This variant is classified as likely benign based on ACMG/AMP sequence variant interpretation guidelines (Richards et al. 2015 PMID: 25741868, with internal and published modifications).

Labcorp Genetics (formerly Invitae), Labcorp
Classification: Likely benign for Pallister-Hall syndrome; Greig cephalopolysyndactyly syndrome. Last evaluated: 2021-05-18. Review status: criteria provided, single submitter. Criteria: Invitae Variant Classification Sherloc (09022015). Collection method: clinical testing. Allele origin: germline.